The following is an entry in ClinVar:

NM_000179.3(MSH6):c.3093C>G (p.Asp1031Glu)

Gene: MSH6 (mutS homolog 6; plus strand). Cytogenetic location: 2p16.3.
Variant type: single nucleotide variant.
Coding change: c.3093C>G on transcript NM_000179.3 (MANE Select); coding-DNA position 3093, C replaced by G.
Protein change: p.Asp1031Glu; replaces aspartic acid 1031 with glutamic acid.
Molecular consequence: missense variant.
Genome position (GRCh38, 1-based): chr2:47,801,076, C>G. VCF-style: chr2-47801076-C-G. GRCh37 (hg19) VCF-style: chr2-48028215-C-G.
Other names: c.2703C>G, p.Asp901Glu (NM_001281492.2); c.2187C>G, p.Asp729Glu (NM_001281493.2, NM_001281494.2, NM_001406811.1 and 6 more transcripts); c.3189C>G, p.Asp1063Glu (NM_001406795.1, NM_001406802.1); c.3093C>G, p.Asp1031Glu (NM_001406796.1, NM_001406798.1, NM_001406800.1 and 2 more transcripts); c.2796C>G, p.Asp932Glu (NM_001406797.1, NM_001406801.1, NM_001406805.1 and 10 more transcripts); c.2568C>G, p.Asp856Glu (NM_001406799.1, NM_001406806.1, NM_001406807.1); c.3015C>G, p.Asp1005Glu (NM_001406804.1); c.3099C>G, p.Asp1033Glu (NM_001406813.1); and 2 more; short protein forms D1033E, D901E, D1005E, D1031E, D346E, D932E, D856E, D975E.
Identifiers: ClinVar variation 1943766 (VCV001943766.8), dbSNP rs1177250625, ClinGen allele CA346756587.

ClinVar aggregate classification (germline): Uncertain significance. Review status: criteria provided, multiple submitters, no conflicts (2 of 4 stars). 3 submissions from 3 submitters: Uncertain significance (3). Last evaluated 2025-04-18.

Conditions:
Lynch syndrome. Identifiers: Orphanet 144, MedGen C4552100, MONDO:0005835. Disease mechanism: loss of function.
Hereditary nonpolyposis colorectal neoplasms. Identifiers: MedGen C0009405, MeSH D003123.

gnomAD v4.1: 1 of 1,609,812 alleles (0.000062%); highest among the groups gnomAD compares: Non-Finnish European, 0.000085%; no homozygotes.

Submissions (3):

Women's Health and Genetics/Laboratory Corporation of America, LabCorp
Classification: Uncertain significance. Last evaluated: 2025-04-18. Review status: criteria provided, single submitter. Criteria: LabCorp Variant Classification Summary - May 2015. Collection method: clinical testing. Allele origin: germline.

Labcorp Genetics (formerly Invitae), Labcorp
Classification: Uncertain significance for Hereditary nonpolyposis colorectal neoplasms. Last evaluated: 2023-05-10. Review status: criteria provided, single submitter. Criteria: Invitae Variant Classification Sherloc (09022015). Collection method: clinical testing. Allele origin: germline.
Comment: In summary, the available evidence is currently insufficient to determine the role of this variant in disease. Therefore, it has been classified as a Variant of Uncertain Significance. Advanced modeling of protein sequence and biophysical properties (such as structural, functional, and spatial information, amino acid conservation, physicochemical variation, residue mobility, and thermodynamic stability) performed at Invitae indicates that this missense variant is not expected to disrupt MSH6 protein function. ClinVar contains an entry for this variant (Variation ID: 1943766). This variant has not been reported in the literature in individuals affected with MSH6-related conditions. This variant is not present in population databases (gnomAD no frequency). This sequence change replaces aspartic acid, which is acidic and polar, with glutamic acid, which is acidic and polar, at codon 1031 of the MSH6 protein (p.Asp1031Glu).

Department of Pathology and Laboratory Medicine, Sinai Health System
Classification: Uncertain significance for Lynch syndrome. Last evaluated: 2022-12-19. Review status: criteria provided, single submitter. Criteria: ACMG Guidelines, 2015. Collection method: clinical testing. Allele origin: germline. Affected: yes.